The following is an entry in ClinVar:

ClinVar aggregate classification (germline): Uncertain significance. Review status: criteria provided, multiple submitters, no conflicts (2 of 4 stars). 2 submissions from 2 submitters: Uncertain significance (2). Last evaluated 2023-01-22.

Allele frequency attached by ClinVar (database versions not stated): gnomAD exomes below 0.00001.
gnomAD v4.1: 2 of 1,614,170 alleles (0.00012%); highest among the groups gnomAD compares: East Asian, 0.0022%; no homozygotes.

Submissions (2):

GeneDx
Classification: Uncertain significance. Last evaluated: 2023-01-22. Review status: criteria provided, single submitter. Criteria: GeneDx Variant Classification Process June 2021. Collection method: clinical testing. Allele origin: germline. Affected: yes.
Comment: Not observed at significant frequency in large population cohorts (gnomAD); In silico analysis supports that this missense variant has a deleterious effect on protein structure/function; Has not been previously published as pathogenic or benign to our knowledge

Labcorp Genetics (formerly Invitae), Labcorp
Classification: Uncertain significance. Last evaluated: 2021-06-18. Review status: criteria provided, single submitter. Criteria: Invitae Variant Classification Sherloc (09022015). Collection method: clinical testing. Allele origin: germline.
Comment: In summary, the available evidence is currently insufficient to determine the role of this variant in disease. Therefore, it has been classified as a Variant of Uncertain Significance. Advanced modeling of protein sequence and biophysical properties (such as structural, functional, and spatial information, amino acid conservation, physicochemical variation, residue mobility, and thermodynamic stability) performed at Invitae indicates that this missense variant is not expected to disrupt MTOR protein function. This variant has not been reported in the literature in individuals with MTOR-related conditions. This variant is not present in population databases (ExAC no frequency). This sequence change replaces asparagine with aspartic acid at codon 2093 of the MTOR protein (p.Asn2093Asp). The asparagine residue is moderately conserved and there is a small physicochemical difference between asparagine and aspartic acid.

NM_004958.4(MTOR):c.6277A>G (p.Asn2093Asp)

Gene: MTOR (mechanistic target of rapamycin kinase; minus strand). Cytogenetic location: 1p36.22.
Variant type: single nucleotide variant.
Coding change: c.6277A>G on transcript NM_004958.4 (MANE Select); coding-DNA position 6277, A replaced by G.
Protein change: p.Asn2093Asp; replaces asparagine 2093 with aspartic acid.
Molecular consequence: missense variant.
Genome position (GRCh38, 1-based): chr1:11,127,084, T>C on the plus strand (A>G on the coding strand, the complement: MTOR is on the minus strand). VCF-style: chr1-11127084-T-C. GRCh37 (hg19) VCF-style: chr1-11187141-T-C.
Other names: c.6277A>G, p.Asn2093Asp (NM_001386500.1); c.5029A>G, p.Asn1677Asp (NM_001386501.1); c.6277A>G (NM_004958.3); short protein forms N1677D, N2093D.
Identifiers: ClinVar variation 1362078 (VCV001362078.8), dbSNP rs2100401958, ClinGen allele CA338391935.
Genomic context (GRCh38, chr1:11,127,084, plus strand): 5'-TTGAGATTCGTCGGAACACATGATAATAGAGGTCCCAGGCTTGGGTGAGGTCCTTGACAT[T>C]CCCTGATTTCATGTACTTCCTGCACCACTCTTGGGCCTCCATTAAATCTCGACCATAGGC-3'
Protein context (NP_004949.1, residues 2083-2103): EWCRKYMKSG[Asn2093Asp]VKDLTQAWDL